The following is an entry in ClinVar:

NM_015272.5(RPGRIP1L):c.230+815T>C

Gene: RPGRIP1L (RPGRIP1 like; minus strand). Cytogenetic location: 16q12.2.
Variant type: single nucleotide variant.
Coding change: c.230+815T>C on transcript NM_015272.5 (MANE Select); 815 bases into the intron after coding-DNA position 230, T replaced by C.
Molecular consequence: intron variant. On other transcripts: missense variant (1).
Genome position (GRCh38, 1-based): chr16:53,695,336, A>G on the plus strand (T>C on the coding strand, the complement: RPGRIP1L is on the minus strand). VCF-style: chr16-53695336-A-G. GRCh37 (hg19) VCF-style: chr16-53729248-A-G.
Other names: c.353T>C, p.Met118Thr (NM_001328422.2); c.230+815T>C (NM_001127897.4, NM_001330538.2, NM_001308334.3); short protein forms M118T.
Identifiers: ClinVar variation 3356378 (VCV003356378.1).
Genomic context (GRCh38, chr16:53,695,336, plus strand): 5'-CTTGAAAACAGCCATCATCATGACTAAAACCCAACTCAAAGTAAAAGGCCTGCACATAGC[A>G]TGCCAGTGGGTTGTTGAAGTCCACAGAGTAGAAACTGAACTGGAACCACCTCCTTAGGAT-3'

ClinVar aggregate classification (germline): Uncertain significance (0 of 4 stars; one submission).

Conditions:
RPGRIP1L-related disorder. Also called: RPGRIP1L-related condition; RPGRIP1L-related disorders. Identifiers: MedGen CN239416.

gnomAD v4.1: 5 of 702,850 alleles (0.00071%); highest among the groups gnomAD compares: Admixed American, 0.008%; no homozygotes.

Submission:

PreventionGenetics, part of Exact Sciences
Classification: Uncertain significance for RPGRIP1L-related condition. Last evaluated: 2024-08-07. Review status: no assertion criteria provided. Collection method: clinical testing. Allele origin: germline.
Comment: The RPGRIP1L c.353T>C variant is predicted to result in the amino acid substitution p.Met118Thr. To our knowledge, this variant has not been reported in the literature. This variant is reported in 0.0082% of alleles in individuals of Latino descent in gnomAD. At this time, the clinical significance of this variant is uncertain due to the absence of conclusive functional and genetic evidence.